The following is an entry in ClinVar:

ClinVar aggregate classification (germline): Likely pathogenic (0 of 4 stars; one submission).

Conditions:
ANKRD11-related disorder. Also called: ANKRD11-related condition.

Submission:

PreventionGenetics, part of Exact Sciences
Classification: Likely pathogenic for ANKRD11-related condition. Last evaluated: 2024-02-22. Review status: no assertion criteria provided. Collection method: clinical testing. Allele origin: germline.
Comment: The ANKRD11 c.2728_2729delAG variant is predicted to result in a frameshift and premature protein termination (p.Arg910Glyfs*5). To our knowledge, this variant has not been reported in the literature or in a large population database, indicating this variant is rare. Frameshift variants in ANKRD11 are expected to be pathogenic. This variant is interpreted as likely pathogenic.

NM_013275.6(ANKRD11):c.2728_2729del (p.Arg910fs)

Gene: ANKRD11 (ankyrin repeat domain containing 11; minus strand). Cytogenetic location: 16q24.3.
Variant type: Deletion.
Coding change: c.2728_2729del on transcript NM_013275.6 (MANE Select); coding-DNA positions 2728 to 2729, 2 bases deleted (AG; older notation c.2728_2729delAG).
Protein change: p.Arg910fs; shifts the reading frame from arginine 910.
Molecular consequence: frameshift variant.
Genome position (GRCh38, 1-based): chr16:89,283,813-89,283,814, CT deleted on the plus strand (AG on the coding strand, the reverse complement: ANKRD11 is on the minus strand). VCF-style (leftmost placement, unchanged base first): chr16-89283812-CCT-C. GRCh37 (hg19) VCF-style: chr16-89350220-CCT-C.
Other names: c.2728_2729del, p.Arg910fs (NM_001256182.2, NM_001256183.2); short protein forms R910fs.
Identifiers: ClinVar variation 3061409 (VCV003061409.2), dbSNP rs2544240139, ClinGen allele CA2740095157.